The following is an entry in ClinVar:

NM_001081.4(CUBN):c.4503G>A (p.Ala1501=)

Gene: CUBN (cubilin; minus strand). Cytogenetic location: 10p13.
Variant type: single nucleotide variant.
Coding change: c.4503G>A on transcript NM_001081.4 (MANE Select); coding-DNA position 4503, G replaced by A.
Protein change: p.Ala1501=; no amino-acid change (alanine 1501 retained).
Molecular consequence: synonymous variant.
Genome position (GRCh38, 1-based): chr10:16,984,127, C>T on the plus strand (G>A on the coding strand, the complement: CUBN is on the minus strand). VCF-style: chr10-16984127-C-T. GRCh37 (hg19) VCF-style: chr10-17026126-C-T.
Identifiers: ClinVar variation 3351503 (VCV003351503.1).
Genomic context (GRCh38, chr10:16,984,127, plus strand): 5'-GGCTTAAGTACTTTAGGAAACCTCCTTTTCTCACTCACCTCCAGTGACTGCTTGCCATGA[C>T]GCATTGAAGCCTCTCCCATTTATGGACAAGTCGGTCTTGAATCGAATTGCTAGCTCATTT-3'
Protein context (NP_001072.2, residues 1491-1511): DLSINGRGFN[Ala1501=]SWQAVTGGCG

ClinVar aggregate classification (germline): Likely benign (0 of 4 stars; one submission).

Conditions:
CUBN-related disorder. Also called: CUBN-related condition.

gnomAD v4.1: 34 of 1,613,962 alleles (0.0021%); highest among the groups gnomAD compares: African/African-American, 0.0093%; no homozygotes.

Submission:

PreventionGenetics, part of Exact Sciences
Classification: Likely benign for CUBN-related condition. Last evaluated: 2020-07-17. Review status: no assertion criteria provided. Collection method: clinical testing. Allele origin: germline.
Comment: This variant is classified as likely benign based on ACMG/AMP sequence variant interpretation guidelines (Richards et al. 2015 PMID: 25741868, with internal and published modifications).